The following is an entry in ClinVar:

ClinVar aggregate classification (germline): Likely pathogenic (1 of 4 stars; one submission).

Conditions:
Sitosterolemia 1. Identifiers: MedGen C2749759, MONDO:0020747, OMIM 210250.

Submission:

First Genomix Gene Laboratory, Genetic Diagnostics Department
Classification: Likely pathogenic for Sitosterolemia 1. Last evaluated: 2025-01-09. Review status: criteria provided, single submitter. Criteria: ACMG Guidelines, 2015. Collection method: clinical testing. Allele origin: germline. Inheritance: Autosomal recessive inheritance. Affected: no. Observed: 1 variant allele.

NM_022437.3(ABCG8):c.1906del (p.Asp636fs)

Gene: ABCG8 (ATP binding cassette subfamily G member 8; plus strand). Cytogenetic location: 2p21.
Variant type: Deletion.
Coding change: c.1906del on transcript NM_022437.3 (MANE Select); coding-DNA position 1906, one base deleted (G; older notation c.1906delG).
Protein change: p.Asp636fs; shifts the reading frame from aspartic acid 636.
Molecular consequence: frameshift variant.
Genome position (GRCh38, 1-based): chr2:43,877,797, G deleted; the last of 2 consecutive G bases (chr2:43,877,796-43,877,797); deleting either gives the same sequence. VCF-style (leftmost placement, unchanged base first): chr2-43877795-TG-T. GRCh37 (hg19) VCF-style: chr2-44104934-TG-T.
Other names: c.1906delG (NM_022437.3); c.1903del, p.Asp635fs (NM_001357321.2); short protein forms D635fs, D636fs.
Identifiers: ClinVar variation 4845754 (VCV004845754.1).